The following is an entry in ClinVar:

NM_000548.5(TSC2):c.4646A>G (p.Tyr1549Cys)

Gene: TSC2 (TSC complex subunit 2; plus strand). Cytogenetic location: 16p13.3.
Variant type: single nucleotide variant.
Coding change: c.4646A>G on transcript NM_000548.5 (MANE Select); coding-DNA position 4646, A replaced by G.
Protein change: p.Tyr1549Cys; replaces tyrosine 1549 with cysteine.
Molecular consequence: missense variant.
Genome position (GRCh38, 1-based): chr16:2,085,306, A>G. VCF-style: chr16-2085306-A-G. GRCh37 (hg19) VCF-style: chr16-2135307-A-G.
Other names: c.4445A>G, p.Tyr1482Cys (NM_001077183.3); c.4577A>G, p.Tyr1526Cys (NM_001114382.3); c.4337A>G, p.Tyr1446Cys (NM_001318827.2); c.4301A>G, p.Tyr1434Cys (NM_001318829.2); c.3914A>G, p.Tyr1305Cys (NM_001318831.2); c.4478A>G, p.Tyr1493Cys (NM_001318832.2); c.4448A>G, p.Tyr1483Cys (NM_001363528.2); c.4514A>G, p.Tyr1505Cys (NM_001370404.1); and 1 more; short protein forms Y1549C, Y1446C, Y1526C, Y1305C, Y1434C, Y1483C, Y1493C, Y1505C.
Identifiers: ClinVar variation 49479 (VCV000049479.12), dbSNP rs45517355, ClinGen allele CA020809.

ClinVar aggregate classification (germline): Pathogenic/Likely pathogenic. Review status: criteria provided, multiple submitters, no conflicts (2 of 4 stars). 5 submissions from 5 submitters: Pathogenic (2); Likely pathogenic (2). 1 of the submissions does not count toward it. Last evaluated 2025-07-21.
ClinVar aggregate classification (somatic clinical impact): Tier I - Strong (1 of 4 stars; one submission).

Conditions:
TSC2-related disorder. Also called: TSC2-Related Disorders; TSC2-related condition.
Tuberous sclerosis syndrome (TSC). Also called: Tuberous Sclerosis Complex; Tuberous sclerosis. Identifiers: Orphanet 805, MedGen C0041341, MONDO:0001734.
Tuberous sclerosis 2 (TSC2). Identifiers: Orphanet 805, MedGen C1860707, MONDO:0013199, OMIM 613254.
Subependymal giant-cell astrocytoma (SEGA). Identifiers: Orphanet 251618, MedGen C0205768, MONDO:0016693, HP:0009718.

Submissions (6):

Labcorp Genetics (formerly Invitae), Labcorp
Classification: Pathogenic for Tuberous sclerosis 2. Last evaluated: 2025-07-21. Review status: criteria provided, single submitter. Criteria: Invitae Variant Classification Sherloc (09022015). Collection method: clinical testing. Allele origin: germline.
Comment: This sequence change replaces tyrosine, which is neutral and polar, with cysteine, which is neutral and slightly polar, at codon 1549 of the TSC2 protein (p.Tyr1549Cys). This variant is not present in population databases (gnomAD no frequency). This missense change has been observed in individual(s) with tuberous sclerosis complex (PMID: 9463313, 28178598; internal data). In at least one individual the variant was observed to be de novo. This variant is also known as 4577A>G, Tyr1526Cys. ClinVar contains an entry for this variant (Variation ID: 49479). Invitae Evidence Modeling of protein sequence and biophysical properties (such as structural, functional, and spatial information, amino acid conservation, physicochemical variation, residue mobility, and thermodynamic stability) has been performed for this missense variant. However, the output from this modeling did not meet the statistical confidence thresholds required to predict the impact of this variant on TSC2 protein function. This variant disrupts the p.Tyr1549 amino acid residue in TSC2. Other variant(s) that disrupt this residue have been observed in individuals with TSC2-related conditions (PMID: 11112665), which suggests that this may be a clinically significant amino acid residue. For these reasons, this variant has been classified as Pathogenic.

Institute for Genomic Medicine (IGM) Clinical Laboratory, Nationwide Children's Hospital
Classification: Tier I - Strong for Subependymal giant-cell astrocytoma. Assertion type: diagnostic. Clinical significance: supports diagnosis. Last evaluated: 2023-10-27. Review status: criteria provided, single submitter. Criteria: AMP/ASCO/CAP Guidelines, 2017. Collection method: clinical testing. Allele origin: somatic. Affected: yes.
Comment: Variant has Tier I (strong) clinical significance as a diagnostic inclusion criterion in subependymal giant cell astrocytoma, based on the following evidence: 1) Diagnostic for a specific tumor type/classification according to professional guidelines (Evidence Level A; PMIDs: 29221145, 16237225, 9403714, 9007104, 33051600, 27625244, 32103336).

Blueprint Genetics
Classification: Pathogenic for TSC2-related disorders. Last evaluated: 2021-11-10. Review status: criteria provided, single submitter. Criteria: ACMG Guidelines, 2015. Collection method: clinical testing. Allele origin: germline. Affected: yes. Observed: 2 variant alleles.

Genome-Nilou Lab
Classification: Likely pathogenic for Tuberous sclerosis 2. Last evaluated: 2021-11-07. Review status: criteria provided, single submitter. Criteria: ACMG Guidelines, 2015. Collection method: clinical testing. Allele origin: germline. Affected: no.

GeneDx
Classification: Likely pathogenic. Last evaluated: 2016-04-18. Review status: criteria provided, single submitter. Criteria: GeneDx Variant Classification (06012015). Collection method: clinical testing. Allele origin: germline. Affected: yes.
Comment: A Y1549C variant that is likely pathogenic has been identified in the TSC2 gene. The Y1549C variant has been reported previously as an assumed pathogenic variant in individuals with TSC (Au et al., 1998; vanEeghen et al., 2013). It was not observed in approximately 6,500 individuals of European and African American ancestry in the NHLBI Exome Sequencing Project, indicating it is not a common benign variant in these populations. The Y1549C variant is a non-conservative amino acid substitution, which is likely to impact secondary protein structure as these residues differ in polarity, charge, size and/or other properties. This substitution alters a conserved position in mammals predicted to be within the GAP-related domain of the tuberin protein, (Gumbinger et al., 2009 ), and multiple missense variants at the same and nearby residues have been reported in Human Gene Mutation Database in association with tuberous sclerosis (Stenson et al., 2014), supporting the functional importance of this region of the protein. Additionally, in silico analysis predicts this variant is probably damaging to the protein structure/function. Therefore, this variant is likely pathogenic; however, the possibility that it is benign cannot be excluded.

Tuberous sclerosis database (TSC2)
No classification provided. Condition: TSC. Review status: no classification provided. Criteria: Tuberous Sclerosis Database Assertion Criteria 2015. Collection method: curation. Allele origin: germline. Affected: yes. Not counted in ClinVar's aggregate classification.

Literature cited by the submitters: PubMed 9463313 (cited by Labcorp Genetics (formerly Invitae), Labcorp); PubMed 28178598 (cited by Labcorp Genetics (formerly Invitae), Labcorp); PubMed 11112665 (cited by Labcorp Genetics (formerly Invitae), Labcorp); PubMed 29221145 (cited by Institute for Genomic Medicine (IGM) Clinical Laboratory, Nationwide Children's Hospital); PubMed 16237225 (cited by Institute for Genomic Medicine (IGM) Clinical Laboratory, Nationwide Children's Hospital); PubMed 9403714 (cited by Institute for Genomic Medicine (IGM) Clinical Laboratory, Nationwide Children's Hospital); PubMed 9007104 (cited by Institute for Genomic Medicine (IGM) Clinical Laboratory, Nationwide Children's Hospital); PubMed 33051600 (cited by Institute for Genomic Medicine (IGM) Clinical Laboratory, Nationwide Children's Hospital); PubMed 27625244 (cited by Institute for Genomic Medicine (IGM) Clinical Laboratory, Nationwide Children's Hospital); PubMed 32103336 (cited by Institute for Genomic Medicine (IGM) Clinical Laboratory, Nationwide Children's Hospital).